The following is an entry in ClinVar:

ClinVar aggregate classification (germline): Pathogenic (0 of 4 stars; one submission).

Conditions:
Joubert syndrome 1 (JBTS1). Also called: Cerebellooculorenal syndrome 1; CEREBELLOPARENCHYMAL DISORDER IV. Identifiers: MedGen C4551568, MONDO:0008944, OMIM 213300.

gnomAD v4.1: 8 of 1,608,504 alleles (0.0005%); highest among the groups gnomAD compares: East Asian, 0.013%; no homozygotes.

Submission:

Lupski Lab, Baylor-Hopkins CMG, Baylor College of Medicine
Classification: Pathogenic for Joubert syndrome 1. Review status: no assertion criteria provided. Collection method: research. Allele origin: de novo. Inheritance: Autosomal dominant inheritance. Affected: yes.

NM_182924.4(MICALL2):c.851C>G (p.Pro284Arg)

Gene: MICALL2 (MICAL like 2; minus strand). Cytogenetic location: 7p22.3.
Variant type: single nucleotide variant.
Coding change: c.851C>G on transcript NM_182924.4 (MANE Select); coding-DNA position 851, C replaced by G.
Protein change: p.Pro284Arg; replaces proline 284 with arginine.
Molecular consequence: missense variant.
Genome position (GRCh38, 1-based): chr7:1,445,219, G>C on the plus strand (C>G on the coding strand, the complement: MICALL2 is on the minus strand). VCF-style: chr7-1445219-G-C. GRCh37 (hg19) VCF-style: chr7-1484855-G-C.
Other names: short protein forms P284R.
Identifiers: ClinVar variation 375381 (VCV000375381.1), dbSNP rs556808514, ClinGen allele CA16044225.